The following is an entry in ClinVar:

ClinVar aggregate classification (germline): Uncertain significance (1 of 4 stars; one submission).

Conditions:
Neonatal-onset encephalopathy with rigidity and seizures. Also called: Lethal neonatal spasticity-epileptic encephalopathy syndrome. Identifiers: Orphanet 435845, MedGen C3281029, MONDO:0013784, OMIM 614498.

Allele frequency attached by ClinVar (database versions not stated): ExAC 0.00002; gnomAD exomes 0.00002.
gnomAD v4.1: 18 of 1,609,054 alleles (0.0011%); highest among the groups gnomAD compares: South Asian, 0.0088%; no homozygotes.

Submission:

Labcorp Genetics (formerly Invitae), Labcorp
Classification: Uncertain significance for Neonatal-onset encephalopathy with rigidity and seizures. Last evaluated: 2023-12-11. Review status: criteria provided, single submitter. Criteria: Invitae Variant Classification Sherloc (09022015). Collection method: clinical testing. Allele origin: germline.
Comment: This sequence change replaces glutamic acid, which is acidic and polar, with lysine, which is basic and polar, at codon 790 of the BRAT1 protein (p.Glu790Lys). This variant is present in population databases (rs765404910, gnomAD 0.01%). This variant has not been reported in the literature in individuals affected with BRAT1-related conditions. ClinVar contains an entry for this variant (Variation ID: 472965). Advanced modeling of protein sequence and biophysical properties (such as structural, functional, and spatial information, amino acid conservation, physicochemical variation, residue mobility, and thermodynamic stability) performed at Invitae indicates that this missense variant is not expected to disrupt BRAT1 protein function with a negative predictive value of 80%. In summary, the available evidence is currently insufficient to determine the role of this variant in disease. Therefore, it has been classified as a Variant of Uncertain Significance.

NM_152743.4(BRAT1):c.2368G>A (p.Glu790Lys)

Gene: BRAT1 (BRCA1 associated ATM activator 1; minus strand). Cytogenetic location: 7p22.3.
Variant type: single nucleotide variant.
Coding change: c.2368G>A on transcript NM_152743.4 (MANE Select); coding-DNA position 2368, G replaced by A.
Protein change: p.Glu790Lys; replaces glutamic acid 790 with lysine.
Molecular consequence: missense variant. On other transcripts: non-coding transcript variant (1).
Genome position (GRCh38, 1-based): chr7:2,538,167, C>T on the plus strand (G>A on the coding strand, the complement: BRAT1 is on the minus strand). VCF-style: chr7-2538167-C-T. GRCh37 (hg19) VCF-style: chr7-2577801-C-T.
Other names: c.2548G>A, p.Glu850Lys (NM_001350626.2); c.1843G>A, p.Glu615Lys (NM_001350627.2); short protein forms E790K, E615K, E850K.
Identifiers: ClinVar variation 472965 (VCV000472965.7), dbSNP rs765404910, ClinGen allele CA4127376.